The following is an entry in ClinVar:

NM_002185.5(IL7R):c.908T>C (p.Phe303Ser)

Gene: IL7R (interleukin 7 receptor; plus strand). Cytogenetic location: 5p13.2.
Variant type: single nucleotide variant.
Coding change: c.908T>C on transcript NM_002185.5 (MANE Select); coding-DNA position 908, T replaced by C.
Protein change: p.Phe303Ser; replaces phenylalanine 303 with serine.
Molecular consequence: missense variant. On other transcripts: non-coding transcript variant (1).
Genome position (GRCh38, 1-based): chr5:35,876,014, T>C. VCF-style: chr5-35876014-T-C. GRCh37 (hg19) VCF-style: chr5-35876116-T-C.
Other names: short protein forms F303S.
Identifiers: ClinVar variation 1004406 (VCV001004406.6), dbSNP rs200107390, ClinGen allele CA3232159.

ClinVar aggregate classification (germline): Uncertain significance (1 of 4 stars; one submission).

Conditions:
Immunodeficiency 104. Also called: Severe combined immunodeficiency, autosomal recessive, T cell-negative, B cell-positive, NK cell-positive; IMMUNODEFICIENCY 104, SEVERE COMBINED; SCID, AUTOSOMAL RECESSIVE, T CELL-NEGATIVE, B CELL-POSITIVE, NK CELL-POSITIVE; Severe Combined Immune Deficiency, Autosomal Recessive, TCell -Negative, B Cell-Positive, NK Cell-Positive, IL7R-Related. Identifiers: MedGen C5676890, MONDO:0012163, OMIM 608971.

Allele frequency attached by ClinVar (database versions not stated): gnomAD 0.00003 and 0.00004; TOPMed 0.00003.
gnomAD v4.1: 33 of 1,613,774 alleles (0.002%); highest among the groups gnomAD compares: Non-Finnish European, 0.00042%; no homozygotes.

Submission:

Labcorp Genetics (formerly Invitae), Labcorp
Classification: Uncertain significance for Immunodeficiency 104. Last evaluated: 2021-08-24. Review status: criteria provided, single submitter. Criteria: Invitae Variant Classification Sherloc (09022015). Collection method: clinical testing. Allele origin: germline.
Comment: This sequence change replaces phenylalanine with serine at codon 303 of the IL7R protein (p.Phe303Ser). The phenylalanine residue is highly conserved and there is a large physicochemical difference between phenylalanine and serine. This variant is present in population databases (rs200107390, ExAC 0.002%). This variant has not been reported in the literature in individuals affected with IL7R-related conditions. Algorithms developed to predict the effect of missense changes on protein structure and function (SIFT, PolyPhen-2, Align-GVGD) all suggest that this variant is likely to be disruptive. In summary, the available evidence is currently insufficient to determine the role of this variant in disease. Therefore, it has been classified as a Variant of Uncertain Significance.